The following is an entry in ClinVar:

ClinVar aggregate classification (germline): Uncertain significance. Review status: criteria provided, multiple submitters, no conflicts (2 of 4 stars). 2 submissions from 2 submitters: Uncertain significance (2). Last evaluated 2026-04-14.

Conditions:
Familial intrahepatic cholestasis. Identifiers: Orphanet 284385, MedGen CN296401, MONDO:0017290.
Progressive familial intrahepatic cholestasis type 2. Identifiers: Orphanet 79304, MedGen C3489789, MONDO:0011156, OMIM 601847.

gnomAD v4.1: 2 of 1,612,566 alleles (0.00012%); highest among the groups gnomAD compares: Non-Finnish European, 0.00017%; no homozygotes.

Submissions (2):

Genomenon, Inc
Classification: Uncertain significance for Familial intrahepatic cholestasis. Last evaluated: 2026-04-14. Review status: criteria provided, single submitter. Criteria: Genomenon Sequence Variant Interpretation Standards - Updated. Collection method: curation. Allele origin: germline. Affected: yes.
Comment: ABCB11 p.Arg303Lys (c.908G>A) is a missense variant that changes the amino acid at residue 303 from Arginine to Lysine. This variant has been observed in at least one proband with an ABCB11-related disorder (PMID:18395098;18853996). It is absent or not present at a significant frequency in gnomAD. In silico models predict that this variant is possibly or probably damaging. In conclusion, we classify ABCB11 p.Arg303Lys (c.908G>A) as a variant of uncertain significance.

Broad Center for Mendelian Genomics, Broad Institute of MIT and Harvard
Classification: Uncertain significance for Progressive familial intrahepatic cholestasis type 2. Last evaluated: 2025-01-30. Review status: criteria provided, single submitter. Criteria: ACMG Guidelines, 2015. Collection method: curation. Allele origin: germline. Inheritance: Autosomal recessive inheritance.
Comment: The p.Arg303Lys variant in ABCB11 has been reported in 2 individuals with BSEP deficiency (PMID: 18395098, 18853996), and has been identified in 0.0002% (2/1179114) of European (non-Finnish) chromosomes s by the Genome Aggregation Database (gnomAD; dbSNP rs767002817). Although this variant has been seen in the general population in a heterozygous state, its frequency is low enough to be consistent with a recessive carrier frequency. Of the 2 affected individuals,1 was a homozygote, which increases the likelihood that the p.Arg303Lys variant is pathogenic (PMID: 18395098). Computational prediction tools and conservation analyses suggest that this variant may impact the protein, though this information is not predictive enough to determine pathogenicity. In summary, the clinical significance of the p.Arg303Lys variant is uncertain. ACMG/AMP Criteria applied: PP3, PM2_supporting, PM3_supporting (Richards 2015).

Literature cited by the submitters: PubMed 18395098 (cited by Genomenon, Inc); PubMed 18853996 (cited by Genomenon, Inc).

NM_003742.4(ABCB11):c.908G>A (p.Arg303Lys)

Gene: ABCB11 (ATP binding cassette subfamily B member 11; minus strand). Cytogenetic location: 2q31.1.
Variant type: single nucleotide variant.
Coding change: c.908G>A on transcript NM_003742.4 (MANE Select); coding-DNA position 908, G replaced by A.
Protein change: p.Arg303Lys; replaces arginine 303 with lysine.
Molecular consequence: missense variant.
Genome position (GRCh38, 1-based): chr2:168,990,801, C>T on the plus strand (G>A on the coding strand, the complement: ABCB11 is on the minus strand). VCF-style: chr2-168990801-C-T. GRCh37 (hg19) VCF-style: chr2-169847311-C-T.
Other names: NM_003742.4:c.908G>A; short protein forms R303K.
Identifiers: ClinVar variation 3776876 (VCV003776876.2).
Genomic context (GRCh38, chr2:168,990,801, plus strand): 5'-ACTCAGGGTACTATGCTGATTGATGAAATTAAGGAAAGAATCAGATTCCAATTAACCAAC[C>T]TTTCAACCTCTCTTTTCTCACCACCAAAAGCAGCCACTGTTCTCATTGATGAAATGACTT-3'
Protein context (NP_003733.2, residues 293-313): AFGGEKREVE[Arg303Lys]YEKNLVFAQR